The following continues an entry in ClinVar:

NM_032043.3(BRIP1):c.890A>G (p.Lys297Arg)

Gene: BRIP1. ClinVar aggregate classification (germline): Conflicting classifications of pathogenicity. Uncertain significance (2); Benign (5); Likely benign (15).

Submissions 26 to 30 of 30:

ITMI
No classification provided. Condition: AllHighlyPenetrant. Last evaluated: 2013-09-19. Review status: no classification provided. Collection method: reference population. Allele origin: germline. Not counted in ClinVar's aggregate classification.
Comment: Please see associated publication for description of ethnicities

Clinical Genetics DNA and cytogenetics Diagnostics Lab, Erasmus MC, Erasmus Medical Center
Classification: Likely benign. Review status: no assertion criteria provided. Collection method: clinical testing. Allele origin: germline. Affected: yes. Study: VKGL Data-share Consensus. Not counted in ClinVar's aggregate classification.

Department of Pathology and Laboratory Medicine, Sinai Health System
Classification: Likely benign for Malignant tumor of breast. Review status: no assertion criteria provided. Collection method: clinical testing. Allele origin: unknown. Affected: yes. Observed: 3 variant alleles. Study: The Canadian Open Genetics Repository (COGR). Not counted in ClinVar's aggregate classification.
Comment: The BRIP1 p.Lys297Arg variant was identified in 67 of 35802 proband chromosomes (frequency: 0.002) from British, American and European individuals or families with breast, ovarian or familial prostate cancer and was present in 1 of 704 control chromosomes (frequency: 0.001) from healthy individuals (Easton 2016, Kote-Jarai 2009, Ramus 2015, Yurgelun 2015, Bodian 2014). The variant was identified in dbSNP (ID: rs28997570) â€šÃ„ÃºWith other alleleâ€šÃ„Ã¹, ClinVar (classified benign by Ambry Genetics, likely benign by Invitae, Counsyl, Institute for Biomarker Research (Medical Diagnostic Laboratories L.L.C), Genetic Services Laboratory (University of Chicago), Quest Diagnostics Nichols Institute San Juan Capistrano, and GeneDx, and classification not provided by ITMI), Clinvitae (5x), and Zhejiang Colon Cancer Database (7x, coocurring with a pathogenic BRIP1 variant (c.2392C>T/p,Arg798X). The variant was not identified in Cosmic and MutDB. The variant was also identified in control databases in 285 of 276594 chromosomes at a frequency of 0.001 increasing the likelihood this could be a low frequency benign variant (Genome Aggregation Database Feb 27, 2017). Breakdown of the observations by population include African in 10 of 24030 chromosomes (freq: 0.0004), Other in 6 of 6450 chromosomes (freq: 0.0009), Latino in 14 of 34408 chromosomes (freq: 0.0004), European Non-Finnish in 215 of 126148 chromosomes (freq: 0.002), European Finnish in 27 of 25788 chromosomes (freq: 0.001), and South Asian in 13 of 30770 chromosomes (freq: 0.0004), and was not observed in the Ashkenazi Jewish and East Asian populations. The p.Lys297 residue is conserved in mammals but not in more distantly related organisms however four out of five computational analyses (PolyPhen-2, SIFT, AlignGVGD, BLOSUM, MutationTaster) do not suggest a high likelihood Arg impacts the protein; this information is not predictive enough to rule out pathogenicity. The variant occurs outside of the splicing consensus sequence and 2 of 5 in silico or computational prediction software programs (SpliceSiteFinder, MaxEntScan, NNSPLICE, GeneSplicer, HumanSpliceFinder) predict a greater than 10% difference in splicing; this is not very predictive of pathogenicity. In summary, based on the above information the clinical significance of this variant cannot be determined with certainty at this time although we would lean towards a more benign role for this variant. This variant is classified as likely benign.

Genome Diagnostics Laboratory, Amsterdam University Medical Center
Classification: Benign. Review status: no assertion criteria provided. Collection method: clinical testing. Allele origin: germline. Affected: yes. Study: VKGL Data-share Consensus. Not counted in ClinVar's aggregate classification.

Joint Genome Diagnostic Labs from Nijmegen and Maastricht, Radboudumc and MUMC+
Classification: Likely benign. Review status: no assertion criteria provided. Collection method: clinical testing. Allele origin: germline. Affected: yes. Study: VKGL Data-share Consensus. Not counted in ClinVar's aggregate classification.

Literature cited by the submitters: PubMed 19127258 (cited by 3 submitters); PubMed 25318351 (cited by 3 submitters); PubMed 25980754 (cited by Quest Diagnostics Nichols Institute San Juan Capistrano and Women's Health and Genetics/Laboratory Corporation of America, LabCorp); PubMed 34326862 (cited by Quest Diagnostics Nichols Institute San Juan Capistrano); PubMed 25186627 (cited by 3 submitters); PubMed 17033622 (cited by Quest Diagnostics Nichols Institute San Juan Capistrano and Women's Health and Genetics/Laboratory Corporation of America, LabCorp); PubMed 21964575 (cited by Quest Diagnostics Nichols Institute San Juan Capistrano and Women's Health and Genetics/Laboratory Corporation of America, LabCorp); PubMed 24728327 (cited by 5 submitters); PubMed 26315354 (cited by 4 submitters); PubMed 23555315 (cited by 3 submitters); PubMed 26921362 (cited by Illumina Laboratory Services, Illumina and Counsyl).